The following is an entry in ClinVar:

NM_003000.3(SDHB):c.540+3C>T

Gene: SDHB (succinate dehydrogenase complex iron sulfur subunit B; minus strand). Cytogenetic location: 1p36.13.
Variant type: single nucleotide variant.
Coding change: c.540+3C>T on transcript NM_003000.3 (MANE Select); 3 bases into the intron after coding-DNA position 540, C replaced by T.
Molecular consequence: intron variant.
Genome position (GRCh38, 1-based): chr1:17,027,746, G>A on the plus strand (C>T on the coding strand, the complement: SDHB is on the minus strand). VCF-style: chr1-17027746-G-A. GRCh37 (hg19) VCF-style: chr1-17354241-G-A.
Identifiers: ClinVar variation 2097412 (VCV002097412.4), dbSNP rs2525017403, ClinGen allele CA2580060647.

ClinVar aggregate classification (germline): Uncertain significance (1 of 4 stars; one submission).

Conditions:
Pheochromocytoma. Also called: MAX-Related Hereditary Paraganglioma-Pheochromocytoma Syndrome. Identifiers: Orphanet 29072, MedGen C0031511, MONDO:0008233, OMIM 171300, HP:0002666.
Pheochromocytoma/paraganglioma syndrome 4. Also called: CAROTID BODY TUMORS AND MULTIPLE EXTRAADRENAL PHEOCHROMOCYTOMAS; PARAGANGLIOMA, FAMILIAL MALIGNANT; PARAGANGLIOMAS, HEREDITARY EXTRAADRENAL; PHEOCHROMOCYTOMA, FAMILIAL EXTRAADRENAL; Paragangliomas 4; SDHB-Related Hereditary Paraganglioma-Pheochromocytoma Syndrome (Paragangliomas 4). Identifiers: Orphanet 29072, MedGen C1861848, MONDO:0007273, OMIM 115310.
Gastrointestinal stromal tumor. Also called: Gastrointestinal stroma tumor; Gastrointestinal stromal tumor, somatic. Identifiers: Orphanet 44890, MedGen C0238198, MeSH D046152, MONDO:0011719, OMIM 606764, HP:0100723.

Submission:

Labcorp Genetics (formerly Invitae), Labcorp
Classification: Uncertain significance for Gastrointestinal stromal tumor; Pheochromocytoma/paraganglioma syndrome 4; Pheochromocytoma. Last evaluated: 2022-11-03. Review status: criteria provided, single submitter. Criteria: Invitae Variant Classification Sherloc (09022015). Collection method: clinical testing. Allele origin: germline.
Comment: In summary, the available evidence is currently insufficient to determine the role of this variant in disease. Therefore, it has been classified as a Variant of Uncertain Significance. Variants that disrupt the consensus splice site are a relatively common cause of aberrant splicing (PMID: 17576681, 9536098). Algorithms developed to predict the effect of sequence changes on RNA splicing suggest that this variant may create or strengthen a splice site. This variant has not been reported in the literature in individuals affected with SDHB-related conditions. This variant is not present in population databases (gnomAD no frequency). This sequence change falls in intron 5 of the SDHB gene. It does not directly change the encoded amino acid sequence of the SDHB protein. It affects a nucleotide within the consensus splice site.

Literature cited by the submitters: PubMed 17576681; PubMed 9536098.